The following is an entry in ClinVar:

ClinVar aggregate classification (germline): Uncertain significance. Review status: criteria provided, multiple submitters, no conflicts (2 of 4 stars). 2 submissions from 2 submitters: Uncertain significance (2). Last evaluated 2019-06-21.

Conditions:
Cardiovascular phenotype. Identifiers: MedGen CN230736.
Congenital myopathy with fiber type disproportion. Also called: Congenital fiber-type disproportion myopathy; Congenital fiber-type disproportion. Identifiers: Orphanet 2020, MedGen C0546264, MONDO:0009711. Inheritance: all.

Submissions (2):

Ambry Genetics
Classification: Uncertain significance for Cardiovascular phenotype. Last evaluated: 2019-06-21. Review status: criteria provided, single submitter. Criteria: Ambry Variant Classification Scheme 2023. Collection method: clinical testing. Allele origin: germline.
Comment: The p.V975M variant (also known as c.2923G>A) is located in coding exon 22 of the MYH7 gene. The valine at codon 975 is replaced by methionine, an amino acid with highly similar properties. This change occurs in the first base pair of coding exon 22. This amino acid position is highly conserved in available vertebrate species. In addition, the in silico prediction for this alteration is inconclusive. Since supporting evidence is limited at this time, the clinical significance of this alteration remains unclear.

Centre for Mendelian Genomics, University Medical Centre Ljubljana
Classification: Uncertain significance for Congenital myopathy 4A, autosomal dominant. Last evaluated: 2019-06-10. Review status: criteria provided, single submitter. Criteria: ACMG Guidelines, 2015. Collection method: clinical testing. Allele origin: unknown. Affected: yes.
Comment: This variant was classified as: Uncertain significance. The available evidence on this variant's pathogenicity is insufficient or conflicting. The following ACMG criteria were applied in classifying this variant: PM2,PP3.

NM_000257.4(MYH7):c.2923G>A (p.Val975Met)

Gene: MYH7 (myosin heavy chain 7; minus strand). Cytogenetic location: 14q11.2.
Variant type: single nucleotide variant.
Coding change: c.2923G>A on transcript NM_000257.4 (MANE Select); coding-DNA position 2923, G replaced by A.
Protein change: p.Val975Met; replaces valine 975 with methionine.
Molecular consequence: missense variant.
Genome position (GRCh38, 1-based): chr14:23,423,723, C>T on the plus strand (G>A on the coding strand, the complement: MYH7 is on the minus strand). VCF-style: chr14-23423723-C-T. GRCh37 (hg19) VCF-style: chr14-23892932-C-T.
Other names: short protein forms V975M.
Identifiers: ClinVar variation 931114 (VCV000931114.5), dbSNP rs1892576769, ClinGen allele CA389046534.